The following is an entry in ClinVar:

NM_006912.6(RIT1):c.532C>G (p.Leu178Val)

Gene: RIT1 (Ras like without CAAX 1; minus strand). Cytogenetic location: 1q22.
Variant type: single nucleotide variant.
Coding change: c.532C>G on transcript NM_006912.6 (MANE Select); coding-DNA position 532, C replaced by G.
Protein change: p.Leu178Val; replaces leucine 178 with valine.
Molecular consequence: missense variant.
Genome position (GRCh38, 1-based): chr1:155,900,516, G>C on the plus strand (C>G on the coding strand, the complement: RIT1 is on the minus strand). VCF-style: chr1-155900516-G-C. GRCh37 (hg19) VCF-style: chr1-155870307-G-C.
Other names: c.424C>G, p.Leu142Val (NM_001256820.2); c.583C>G, p.Leu195Val (NM_001256821.2); c.532C>G (NM_006912.4); short protein forms L178V, L142V, L195V.
Identifiers: ClinVar variation 1704558 (VCV001704558.10), dbSNP rs730881013, ClinGen allele CA297159.
Genomic context (GRCh38, chr1:155,900,516, plus strand): 5'-TAGATTTTTTCTCCATGGCCAGTACTGCCTCCTTTTCTTTCCTACGTATCTCCCGTACAA[G>C]GGCATGGAAAACATCATCAATATAGTAGCGGTATGCAGCAGATGTCTCAAAAAAGGGACA-3'
Protein context (NP_008843.1, residues 168-188): RYYIDDVFHA[Leu178Val]VREIRRKEKE

ClinVar aggregate classification (germline): Uncertain significance. Review status: criteria provided, multiple submitters, no conflicts (2 of 4 stars). 5 submissions from 5 submitters: Uncertain significance (5). Last evaluated 2025-12-17.

Conditions:
Noonan syndrome 8 (NS8). Identifiers: Orphanet 648, MedGen C3809233, MONDO:0014143, OMIM 615355.
Cardiovascular phenotype. Identifiers: MedGen CN230736.

Allele frequency attached by ClinVar (database versions not stated): gnomAD 0.00001; gnomAD exomes 0.00001; ExAC 0.00002.

Submissions (5):

Labcorp Genetics (formerly Invitae), Labcorp
Classification: Uncertain significance for Noonan syndrome 8. Last evaluated: 2025-12-17. Review status: criteria provided, single submitter. Criteria: Invitae Variant Classification Sherloc (09022015). Collection method: clinical testing. Allele origin: germline.
Comment: This sequence change replaces leucine, which is neutral and non-polar, with valine, which is neutral and non-polar, at codon 178 of the RIT1 protein (p.Leu178Val). This variant is present in population databases (rs730881013, gnomAD 0.01%). This variant has not been reported in the literature in individuals affected with RIT1-related conditions. ClinVar contains an entry for this variant (Variation ID: 1704558). An algorithm developed to predict the effect of missense changes on protein structure and function (PolyPhen-2) suggests that this variant is likely to be tolerated. In summary, the available evidence is currently insufficient to determine the role of this variant in disease. Therefore, it has been classified as a Variant of Uncertain Significance.

St. Jude Molecular Pathology, St. Jude Children's Research Hospital
Classification: Uncertain significance for Noonan syndrome 8. Last evaluated: 2024-01-21. Review status: criteria provided, single submitter. Criteria: St. Jude Assertion Criteria 2020. Collection method: clinical testing. Allele origin: germline.
Comment: The RIT1 c.532C>G (p.Leu178Val) missense change has a maximum subpopulation frequency of 0.0098% in gnomAD v2.1.1. The in silico tool REVEL is inconclusive about a pathogenic or benign effect of this variant on protein function, and to our knowledge functional studies have not been performed. To our knowledge, this variant has not been reported in individuals with Noonan syndrome. In summary, the evidence currently available is insufficient to determine the clinical significance of this variant. It has therefore been classified as of uncertain significance.

Genome-Nilou Lab
Classification: Uncertain significance for Noonan syndrome 8. Last evaluated: 2023-04-11. Review status: criteria provided, single submitter. Criteria: ACMG Guidelines, 2015. Collection method: clinical testing. Allele origin: germline. Affected: no.

Ambry Genetics
Classification: Uncertain significance for Cardiovascular phenotype. Last evaluated: 2022-08-16. Review status: criteria provided, single submitter. Criteria: Ambry Variant Classification Scheme 2023. Collection method: clinical testing. Allele origin: germline.
Comment: The p.L178V variant (also known as c.532C>G), located in coding exon 5 of the RIT1 gene, results from a C to G substitution at nucleotide position 532. The leucine at codon 178 is replaced by valine, an amino acid with highly similar properties. This amino acid position is conserved. In addition, the in silico prediction for this alteration is inconclusive. Since supporting evidence is limited at this time, the clinical significance of this alteration remains unclear.

Women's Health and Genetics/Laboratory Corporation of America, LabCorp
Classification: Uncertain significance. Last evaluated: 2022-07-30. Review status: criteria provided, single submitter. Criteria: LabCorp Variant Classification Summary - May 2015. Collection method: clinical testing. Allele origin: germline.